The following is an entry in ClinVar:

ClinVar aggregate classification (germline): Likely benign. Review status: criteria provided, multiple submitters, no conflicts (2 of 4 stars). 3 submissions from 3 submitters: Likely benign (3). Last evaluated 2025-12-15.

Conditions:
Osteogenesis imperfecta type I (OI1). Also called: OI, TYPE I; OSTEOGENESIS IMPERFECTA TARDA; OSTEOGENESIS IMPERFECTA WITH BLUE SCLERAE; Osteogenesis imperfecta type 1; Classic Non-deforming Osteogenesis Imperfecta with Blue Sclerae; Lobstein's Disease. Identifiers: Orphanet 216796, Orphanet 666, MedGen C0023931, MONDO:0008146, OMIM 166200. Disease mechanism: loss of function.
Ehlers-Danlos syndrome, classic type, 1 (EDSCL1). Also called: EDS I; EHLERS-DANLOS SYNDROME, GRAVIS TYPE; EHLERS-DANLOS SYNDROME, SEVERE CLASSIC TYPE; Ehlers-Danlos Syndrome, Classic Type, COL5A1-Related; Ehlers-Danlos syndrome, type 1. Identifiers: MedGen C0268335, MONDO:0019567, OMIM 130000.
Cardiovascular phenotype. Identifiers: MedGen CN230736.

Allele frequency attached by ClinVar (database versions not stated): TOPMed 0.00001; ExAC 0.00001; gnomAD 0.00001; gnomAD exomes 0.00001.
gnomAD v4.1: 10 of 1,614,060 alleles (0.00062%); highest among the groups gnomAD compares: Non-Finnish European, 0.00085%; no homozygotes.

Submissions (3):

Labcorp Genetics (formerly Invitae), Labcorp
Classification: Likely benign for Osteogenesis imperfecta type I; Ehlers-Danlos syndrome, classic type, 1. Last evaluated: 2025-12-15. Review status: criteria provided, single submitter. Criteria: Invitae Variant Classification Sherloc (09022015). Collection method: clinical testing. Allele origin: germline.

Ambry Genetics
Classification: Likely benign for Cardiovascular phenotype. Last evaluated: 2025-07-03. Review status: criteria provided, single submitter. Criteria: Ambry Variant Classification Scheme 2023. Collection method: clinical testing. Allele origin: germline.

GeneDx
Classification: Likely benign. Last evaluated: 2018-03-23. Review status: criteria provided, single submitter. Criteria: GeneDx Variant Classification (06012015). Collection method: clinical testing. Allele origin: germline. Affected: yes.
Comment: This variant is considered likely benign or benign based on one or more of the following criteria: it is a conservative change, it occurs at a poorly conserved position in the protein, it is predicted to be benign by multiple in silico algorithms, and/or has population frequency not consistent with disease.

NM_000089.4(COL1A2):c.1563T>C (p.Ala521=)

Gene: COL1A2 (collagen type I alpha 2 chain; plus strand). Cytogenetic location: 7q21.3.
Variant type: single nucleotide variant.
Coding change: c.1563T>C on transcript NM_000089.4 (MANE Select); coding-DNA position 1563, T replaced by C.
Protein change: p.Ala521=; no amino-acid change (alanine 521 retained).
Molecular consequence: synonymous variant.
Genome position (GRCh38, 1-based): chr7:94,413,695, T>C. VCF-style: chr7-94413695-T-C. GRCh37 (hg19) VCF-style: chr7-94043007-T-C.
Identifiers: ClinVar variation 680863 (VCV000680863.11), dbSNP rs765688776, ClinGen allele CA4347120.